The following is an entry in ClinVar:

NM_001429.4(EP300):c.901A>G (p.Asn301Asp)

Gene: EP300 (EP300 lysine acetyltransferase; plus strand). Cytogenetic location: 22q13.2.
Variant type: single nucleotide variant.
Coding change: c.901A>G on transcript NM_001429.4 (MANE Select); coding-DNA position 901, A replaced by G.
Protein change: p.Asn301Asp; replaces asparagine 301 with aspartic acid.
Molecular consequence: missense variant.
Genome position (GRCh38, 1-based): chr22:41,126,035, A>G. VCF-style: chr22-41126035-A-G. GRCh37 (hg19) VCF-style: chr22-41522039-A-G.
Other names: c.901A>G, p.Asn301Asp (NM_001362843.2); short protein forms N301D.
Identifiers: ClinVar variation 2632377 (VCV002632377.4), dbSNP rs2145708100, ClinGen allele CA411683495.

ClinVar aggregate classification (germline): Uncertain significance. Review status: criteria provided, multiple submitters, no conflicts (2 of 4 stars). 2 submissions from 2 submitters: Uncertain significance (2). Last evaluated 2023-09-21.

Conditions:
EP300-related disorder. Also called: EP300-related condition; EP300-related disorders.
Rubinstein-Taybi syndrome due to EP300 haploinsufficiency. Also called: EP300-Related Rubinstein-Taybi Syndrome; RUBINSTEIN-TAYBI SYNDROME 2. Identifiers: Orphanet 353284, Orphanet 783, MedGen C3150941, MONDO:0013364, OMIM 613684.

Allele frequency attached by ClinVar (database versions not stated): gnomAD exomes below 0.00001.
gnomAD v4.1: 1 of 1,614,114 alleles (0.000062%); highest among the groups gnomAD compares: Non-Finnish European, 0.000085%; no homozygotes.

Submissions (2):

Labcorp Genetics (formerly Invitae), Labcorp
Classification: Uncertain significance for Rubinstein-Taybi syndrome due to EP300 haploinsufficiency. Last evaluated: 2023-09-21. Review status: criteria provided, single submitter. Criteria: Invitae Variant Classification Sherloc (09022015). Collection method: clinical testing. Allele origin: germline.
Comment: This sequence change replaces asparagine, which is neutral and polar, with aspartic acid, which is acidic and polar, at codon 301 of the EP300 protein (p.Asn301Asp). This variant is not present in population databases (gnomAD no frequency). This variant has not been reported in the literature in individuals affected with EP300-related conditions. Advanced modeling of protein sequence and biophysical properties (such as structural, functional, and spatial information, amino acid conservation, physicochemical variation, residue mobility, and thermodynamic stability) performed at Invitae indicates that this missense variant is not expected to disrupt EP300 protein function. In summary, the available evidence is currently insufficient to determine the role of this variant in disease. Therefore, it has been classified as a Variant of Uncertain Significance.

PreventionGenetics, part of Exact Sciences
Classification: Uncertain significance for EP300-related condition. Last evaluated: 2023-06-22. Review status: criteria provided, single submitter. Criteria: ACMG Guidelines, 2015. Collection method: clinical testing. Allele origin: germline.
Comment: The EP300 c.901A>G variant is predicted to result in the amino acid substitution p.Asn301Asp. To our knowledge, this variant has not been reported in the literature or in a large population database, indicating this variant is rare. At this time, the clinical significance of this variant is uncertain due to the absence of conclusive functional and genetic evidence.